The following is an entry in ClinVar:

NM_001035.3(RYR2):c.11693T>C (p.Ile3898Thr)

Gene: RYR2 (ryanodine receptor 2; plus strand). Cytogenetic location: 1q43.
Variant type: single nucleotide variant.
Coding change: c.11693T>C on transcript NM_001035.3 (MANE Select); coding-DNA position 11693, T replaced by C.
Protein change: p.Ile3898Thr; replaces isoleucine 3898 with threonine.
Molecular consequence: missense variant.
Genome position (GRCh38, 1-based): chr1:237,773,566, T>C. VCF-style: chr1-237773566-T-C. GRCh37 (hg19) VCF-style: chr1-237936866-T-C.
Other names: short protein forms I3898T.
Identifiers: ClinVar variation 3385845 (VCV003385845.1).

ClinVar aggregate classification (germline): Uncertain significance (1 of 4 stars; one submission).

Conditions:
Catecholaminergic polymorphic ventricular tachycardia (CVPT). Also called: Catecholamine-induced polymorphic ventricular tachycardia. Identifiers: Orphanet 3286, MedGen C5574922, MONDO:0017990.

Submission:

All of Us Research Program, National Institutes of Health
Classification: Uncertain significance for Catecholaminergic polymorphic ventricular tachycardia. Last evaluated: 2024-08-06. Review status: criteria provided, single submitter. Criteria: ACMG Guidelines, 2015. Collection method: clinical testing. Allele origin: germline. Inheritance: Autosomal dominant inheritance. Observed: 1 variant allele, 1 heterozygote.
Comment: This study involves interpretation of variants in research participants for the purpose of population health screening. Participant phenotype was not available at the time of variant classification. Additional details can be found in publication PMID: 35346344, PMCID: PMC8962531